The following is an entry in ClinVar:

NM_004304.5(ALK):c.3296C>T (p.Ala1099Val)

Gene: ALK (ALK receptor tyrosine kinase; minus strand). Cytogenetic location: 2p23.2.
Variant type: single nucleotide variant.
Coding change: c.3296C>T on transcript NM_004304.5 (MANE Select); coding-DNA position 3296, C replaced by T.
Protein change: p.Ala1099Val; replaces alanine 1099 with valine.
Molecular consequence: missense variant.
Genome position (GRCh38, 1-based): chr2:29,223,405, G>A on the plus strand (C>T on the coding strand, the complement: ALK is on the minus strand). VCF-style: chr2-29223405-G-A. GRCh37 (hg19) VCF-style: chr2-29446271-G-A.
Other names: c.92C>T, p.Ala31Val (NM_001353765.2); short protein forms A1099V, A31V.
Identifiers: ClinVar variation 4870125 (VCV004870125.1).

ClinVar aggregate classification (germline): Uncertain significance (1 of 4 stars; one submission).

Conditions:
Hereditary cancer-predisposing syndrome. Also called: Neoplastic Syndromes, Hereditary; Tumor predisposition; Hereditary Cancer Syndrome; Hereditary neoplastic syndrome. Identifiers: Orphanet 140162, MedGen C0027672, MeSH D009386, MONDO:0015356.

gnomAD v4.1: 1 of 1,614,202 alleles (0.000062%); highest among the groups gnomAD compares: Non-Finnish European, 0.000085%; no homozygotes.

Submission:

Ambry Genetics
Classification: Uncertain significance for Hereditary cancer-predisposing syndrome. Last evaluated: 2026-04-23. Review status: criteria provided, single submitter. Criteria: Ambry Variant Classification Scheme 2023. Collection method: clinical testing. Allele origin: germline.
Comment: The p.A1099V variant (also known as c.3296C>T), located in coding exon 20 of the ALK gene, results from a C to T substitution at nucleotide position 3296. The alanine at codon 1099 is replaced by valine, an amino acid with similar properties. This amino acid position is highly conserved in available vertebrate species. In addition, the in silico prediction for this alteration is inconclusive. Based on the available evidence, the clinical significance of this variant remains unclear.